The following is an entry in ClinVar:

ClinVar aggregate classification (germline): Uncertain significance (1 of 4 stars; one submission).

Conditions:
KBG syndrome (KBGS). Also called: ANKRD11-Related KBG Syndrome. Identifiers: Orphanet 2332, MedGen C0220687, MONDO:0007846, OMIM 148050.

Submission:

Labcorp Genetics (formerly Invitae), Labcorp
Classification: Uncertain significance for KBG syndrome. Last evaluated: 2025-02-20. Review status: criteria provided, single submitter. Criteria: Invitae Variant Classification Sherloc (09022015). Collection method: clinical testing. Allele origin: germline.
Comment: This sequence change replaces lysine, which is basic and polar, with asparagine, which is neutral and polar, at codon 1427 of the ANKRD11 protein (p.Lys1427Asn). This variant is not present in population databases (gnomAD no frequency). This variant has not been reported in the literature in individuals affected with ANKRD11-related conditions. Invitae Evidence Modeling of protein sequence and biophysical properties (such as structural, functional, and spatial information, amino acid conservation, physicochemical variation, residue mobility, and thermodynamic stability) indicates that this missense variant is not expected to disrupt ANKRD11 protein function with a negative predictive value of 95%. In summary, the available evidence is currently insufficient to determine the role of this variant in disease. Therefore, it has been classified as a Variant of Uncertain Significance.

NM_013275.6(ANKRD11):c.4281G>C (p.Lys1427Asn)

Gene: ANKRD11 (ankyrin repeat domain 11; minus strand). Cytogenetic location: 16q24.3.
Variant type: single nucleotide variant.
Coding change: c.4281G>C on transcript NM_013275.6 (MANE Select); coding-DNA position 4281, G replaced by C.
Protein change: p.Lys1427Asn; replaces lysine 1427 with asparagine.
Molecular consequence: missense variant.
Genome position (GRCh38, 1-based): chr16:89,282,261, C>G on the plus strand (G>C on the coding strand, the complement: ANKRD11 is on the minus strand). VCF-style: chr16-89282261-C-G. GRCh37 (hg19) VCF-style: chr16-89348669-C-G.
Other names: c.4281G>C, p.Lys1427Asn (NM_001256182.2, NM_001256183.2); short protein forms K1427N.
Identifiers: ClinVar variation 4802798 (VCV004802798.1).